The following is an entry in ClinVar:

ClinVar aggregate classification (germline): Pathogenic (1 of 4 stars; one submission).

Conditions:
Autoimmune lymphoproliferative syndrome type 1. Also called: AUTOIMMUNE LYMPHOPROLIFERATIVE SYNDROME, TYPE I, AUTOSOMAL DOMINANT. Identifiers: Orphanet 3261, MedGen C2717884, MONDO:0011158, OMIM 601859.

Allele frequency attached by ClinVar (database versions not stated): gnomAD exomes below 0.00001.
gnomAD v4.1: 3 of 1,613,998 alleles (0.00019%); highest among the groups gnomAD compares: Non-Finnish European, 0.00025%; no homozygotes.

Submission:

Labcorp Genetics (formerly Invitae), Labcorp
Classification: Pathogenic for Autoimmune lymphoproliferative syndrome. Last evaluated: 2025-09-08. Review status: criteria provided, single submitter. Criteria: Invitae Variant Classification Sherloc (09022015). Collection method: clinical testing. Allele origin: germline.
Comment: This sequence change falls in intron 5 of the FAS gene. It does not directly change the encoded amino acid sequence of the FAS protein. RNA analysis indicates that this variant induces altered splicing and likely results in a shortened protein product. This variant is not present in population databases (gnomAD no frequency). This variant has been observed in individual(s) with clinical features of autoimmune lymphoproliferative syndrome (PMID: 22237435, 28668589; internal data). ClinVar contains an entry for this variant (Variation ID: 1506283). Studies have shown that this variant results in skipping of exon 6, but is expected to preserve the integrity of the reading-frame (PMID: 22237435, 28668589). For these reasons, this variant has been classified as Pathogenic.

Literature cited by the submitters: PubMed 22237435; PubMed 28668589.

NM_000043.6(FAS):c.506-16A>G

Gene: FAS (Fas cell surface death receptor; plus strand). Cytogenetic location: 10q23.31.
Variant type: single nucleotide variant.
Coding change: c.506-16A>G on transcript NM_000043.6 (MANE Select); 16 bases into the intron before coding-DNA position 506, A replaced by G.
Molecular consequence: intron variant.
Genome position (GRCh38, 1-based): chr10:89,010,737, A>G. VCF-style: chr10-89010737-A-G. GRCh37 (hg19) VCF-style: chr10-90770494-A-G.
Other names: c.506-16A>G (NM_152872.4, NM_001320619.2); c.505+137A>G (NM_152871.4).
Identifiers: ClinVar variation 1506283 (VCV001506283.8), dbSNP rs2133529359, ClinGen allele CA2573145871.